The following is an entry in ClinVar:

NM_005236.3(ERCC4):c.377A>T (p.Asp126Val)

Gene: ERCC4 (ERCC excision repair 4, endonuclease catalytic subunit; plus strand). Cytogenetic location: 16p13.12.
Variant type: single nucleotide variant.
Coding change: c.377A>T on transcript NM_005236.3 (MANE Select); coding-DNA position 377, A replaced by T.
Protein change: p.Asp126Val; replaces aspartic acid 126 with valine.
Molecular consequence: missense variant.
Genome position (GRCh38, 1-based): chr16:13,922,200, A>T. VCF-style: chr16-13922200-A-T. GRCh37 (hg19) VCF-style: chr16-14016057-A-T.
Other names: short protein forms D126V.
Identifiers: ClinVar variation 1414046 (VCV001414046.6), dbSNP rs941012957, ClinGen allele CA278488493.

ClinVar aggregate classification (germline): Uncertain significance (1 of 4 stars; one submission).

Conditions:
Cockayne syndrome. Identifiers: Orphanet 191, MedGen C0009207, MONDO:0016006.
Fanconi anemia complementation group Q. Identifiers: Orphanet 84, MedGen C3808988, MONDO:0014108, OMIM 615272.
Xeroderma pigmentosum, group F (XPF). Also called: ERCC4-Related Xeroderma Pigmentosum; XERODERMA PIGMENTOSUM, TYPE F; Xeroderma pigmentosum, type 6; XERODERMA PIGMENTOSUM, COMPLEMENTATION GROUP F; XERODERMA PIGMENTOSUM VI; XP, GROUP F. Identifiers: MedGen C0268140, MONDO:0010215, OMIM 278760.

Allele frequency attached by ClinVar (database versions not stated): gnomAD exomes below 0.00001; TOPMed 0.00002; gnomAD 0.00003.
gnomAD v4.1: 5 of 1,603,732 alleles (0.00031%); highest among the groups gnomAD compares: African/African-American, 0.0067%; no homozygotes.

Submission:

Labcorp Genetics (formerly Invitae), Labcorp
Classification: Uncertain significance for Fanconi anemia complementation group Q; Xeroderma pigmentosum, group F; Cockayne syndrome. Last evaluated: 2023-08-17. Review status: criteria provided, single submitter. Criteria: Invitae Variant Classification Sherloc (09022015). Collection method: clinical testing. Allele origin: germline.
Comment: This variant is not present in population databases (gnomAD no frequency). This sequence change replaces aspartic acid, which is acidic and polar, with valine, which is neutral and non-polar, at codon 126 of the ERCC4 protein (p.Asp126Val). This variant has not been reported in the literature in individuals affected with ERCC4-related conditions. ClinVar contains an entry for this variant (Variation ID: 1414046). Advanced modeling of protein sequence and biophysical properties (such as structural, functional, and spatial information, amino acid conservation, physicochemical variation, residue mobility, and thermodynamic stability) performed at Invitae indicates that this missense variant is not expected to disrupt ERCC4 protein function. In summary, the available evidence is currently insufficient to determine the role of this variant in disease. Therefore, it has been classified as a Variant of Uncertain Significance.